The following is an entry in ClinVar:

NM_006904.7(PRKDC):c.6500C>G (p.Pro2167Arg)

Gene: PRKDC (protein kinase, DNA-activated, catalytic subunit; minus strand). Cytogenetic location: 8q11.21.
Variant type: single nucleotide variant.
Coding change: c.6500C>G on transcript NM_006904.7 (MANE Select); coding-DNA position 6500, C replaced by G.
Protein change: p.Pro2167Arg; replaces proline 2167 with arginine.
Molecular consequence: missense variant.
Genome position (GRCh38, 1-based): chr8:47,857,265, G>C on the plus strand (C>G on the coding strand, the complement: PRKDC is on the minus strand). VCF-style: chr8-47857265-G-C. GRCh37 (hg19) VCF-style: chr8-48769826-G-C.
Other names: c.6500C>G, p.Pro2167Arg (NM_001081640.2); short protein forms P2167R.
Identifiers: ClinVar variation 1753916 (VCV001753916.2), dbSNP rs2551869752, ClinGen allele CA371160196.

ClinVar aggregate classification (germline): Uncertain significance (1 of 4 stars; one submission).

Submission:

Ambry Genetics
Classification: Uncertain significance. Last evaluated: 2021-12-01. Review status: criteria provided, single submitter. Criteria: Ambry Variant Classification Scheme 2023. Collection method: clinical testing. Allele origin: germline.
Comment: The p.P2167R variant (also known as c.6500C>G), located in coding exon 49 of the PRKDC gene, results from a C to G substitution at nucleotide position 6500. The proline at codon 2167 is replaced by arginine, an amino acid with dissimilar properties. This amino acid position is conserved. Since supporting evidence is limited at this time, the clinical significance of this alteration remains unclear.